The following is an entry in ClinVar:

ClinVar aggregate classification (germline): Uncertain significance (1 of 4 stars; one submission).

Allele frequency attached by ClinVar (database versions not stated): gnomAD exomes below 0.00001; ExAC 0.00001.
gnomAD v4.1: 1 of 1,614,054 alleles (0.000062%); highest among the groups gnomAD compares: Non-Finnish European, 0.000085%; no homozygotes.

Submission:

Labcorp Genetics (formerly Invitae), Labcorp
Classification: Uncertain significance. Last evaluated: 2022-06-07. Review status: criteria provided, single submitter. Criteria: Invitae Variant Classification Sherloc (09022015). Collection method: clinical testing. Allele origin: germline.
Comment: This sequence change replaces threonine, which is neutral and polar, with alanine, which is neutral and non-polar, at codon 678 of the CNNM4 protein (p.Thr678Ala). This variant is present in population databases (rs766606277, gnomAD 0.0009%). This variant has not been reported in the literature in individuals affected with CNNM4-related conditions. Algorithms developed to predict the effect of missense changes on protein structure and function output the following: SIFT: "Tolerated"; PolyPhen-2: "Benign"; Align-GVGD: "Class C0". The alanine amino acid residue is found in multiple mammalian species, which suggests that this missense change does not adversely affect protein function. In summary, the available evidence is currently insufficient to determine the role of this variant in disease. Therefore, it has been classified as a Variant of Uncertain Significance.

NM_020184.4(CNNM4):c.2032A>G (p.Thr678Ala)

Gene: CNNM4 (cyclin and CBS domain divalent metal cation transport mediator 4; plus strand). Cytogenetic location: 2q11.2.
Variant type: single nucleotide variant.
Coding change: c.2032A>G on transcript NM_020184.4 (MANE Select); coding-DNA position 2032, A replaced by G.
Protein change: p.Thr678Ala; replaces threonine 678 with alanine.
Molecular consequence: missense variant.
Genome position (GRCh38, 1-based): chr2:96,808,644, A>G. VCF-style: chr2-96808644-A-G. GRCh37 (hg19) VCF-style: chr2-97474381-A-G.
Other names: short protein forms T678A.
Identifiers: ClinVar variation 2003050 (VCV002003050.4), dbSNP rs766606277, ClinGen allele CA1783553.